The following is an entry in ClinVar:

NM_001365999.1(SZT2):c.5561G>C (p.Ser1854Thr)

Gene: SZT2 (SZT2 subunit of KICSTOR complex; plus strand). Cytogenetic location: 1p34.2.
Variant type: single nucleotide variant.
Coding change: c.5561G>C on transcript NM_001365999.1 (MANE Select); coding-DNA position 5561, G replaced by C.
Protein change: p.Ser1854Thr; replaces serine 1854 with threonine.
Molecular consequence: missense variant.
Genome position (GRCh38, 1-based): chr1:43,432,758, G>C. VCF-style: chr1-43432758-G-C. GRCh37 (hg19) VCF-style: chr1-43898429-G-C.
Other names: c.5390G>C, p.Ser1797Thr (NM_015284.4); short protein forms S1797T, S1854T.
Identifiers: ClinVar variation 1516359 (VCV001516359.8), dbSNP rs2153934238, ClinGen allele CA340025668.

ClinVar aggregate classification (germline): Uncertain significance (1 of 4 stars; one submission).

Submission:

Labcorp Genetics (formerly Invitae), Labcorp
Classification: Uncertain significance. Last evaluated: 2021-04-25. Review status: criteria provided, single submitter. Criteria: Invitae Variant Classification Sherloc (09022015). Collection method: clinical testing. Allele origin: germline.
Comment: This variant has not been reported in the literature in individuals with SZT2-related conditions. This variant is not present in population databases (ExAC no frequency). This sequence change replaces serine with threonine at codon 1797 of the SZT2 protein (p.Ser1797Thr). The serine residue is highly conserved and there is a small physicochemical difference between serine and threonine. Algorithms developed to predict the effect of missense changes on protein structure and function are either unavailable or do not agree on the potential impact of this missense change (SIFT: "Tolerated"; PolyPhen-2: "Possibly Damaging"; Align-GVGD: "Class C0"). In summary, the available evidence is currently insufficient to determine the role of this variant in disease. Therefore, it has been classified as a Variant of Uncertain Significance.